The following is an entry in ClinVar:

ClinVar aggregate classification (germline): Likely benign. Review status: criteria provided, single submitter (1 of 4 stars). 2 submissions from 2 submitters: Likely benign (1). 1 of the submissions does not count toward it. Last evaluated 2025-03-31.

Conditions:
Combined deficiency of sialidase AND beta galactosidase (GSL). Also called: GOLDBERG SYNDROME; NEURAMINIDASE DEFICIENCY WITH BETA-GALACTOSIDASE DEFICIENCY; NEURAMINIDASE/BETA-GALACTOSIDASE EXPRESSION; PPCA DEFICIENCY; PROTECTIVE PROTEIN/CATHEPSIN A DEFICIENCY; CATHEPSIN A DEFICIENCY. Identifiers: Orphanet 351, MedGen C0268233, MONDO:0009737, OMIM 256540.
CTSA-related disorder. Also called: CTSA-related condition.

Allele frequency attached by ClinVar (database versions not stated): gnomAD exomes 0.00002 and 0.00004; ExAC 0.00003; TOPMed 0.00007; gnomAD 0.00008 and 0.00009; ESP Exome Variant Server 0.00015.
gnomAD v4.1: 45 of 1,614,040 alleles (0.0028%); highest among the groups gnomAD compares: African/African-American, 0.023%; no homozygotes.

Submissions (2):

Labcorp Genetics (formerly Invitae), Labcorp
Classification: Likely benign for Combined deficiency of sialidase AND beta galactosidase. Last evaluated: 2025-03-31. Review status: criteria provided, single submitter. Criteria: Invitae Variant Classification Sherloc (09022015). Collection method: clinical testing. Allele origin: germline.

PreventionGenetics, part of Exact Sciences
Classification: Likely benign for CTSA-related condition. Last evaluated: 2020-12-26. Review status: no assertion criteria provided. Collection method: clinical testing. Allele origin: germline. Not counted in ClinVar's aggregate classification.
Comment: This variant is classified as likely benign based on ACMG/AMP sequence variant interpretation guidelines (Richards et al. 2015 PMID: 25741868, with internal and published modifications).

NM_000308.4(CTSA):c.201G>A (p.Val67=)

Gene: CTSA (cathepsin A; plus strand). Cytogenetic location: 20q13.12.
Variant type: single nucleotide variant.
Coding change: c.201G>A on transcript NM_000308.4 (MANE Select); coding-DNA position 201, G replaced by A.
Protein change: p.Val67=; no amino-acid change (valine 67 retained).
Molecular consequence: synonymous variant. On other transcripts: non-coding transcript variant (1).
Genome position (GRCh38, 1-based): chr20:45,891,922, G>A. VCF-style: chr20-45891922-G-A. GRCh37 (hg19) VCF-style: chr20-44520561-G-A.
Other names: c.201G>A, p.Val67= (NM_001127695.3, NM_001167594.3); c.255G>A (NM_000308.3).
Identifiers: ClinVar variation 1078934 (VCV001078934.10), dbSNP rs149268665, ClinGen allele CA9882966.